The following is an entry in ClinVar:

ClinVar aggregate classification (germline): Uncertain significance (1 of 4 stars; one submission).

gnomAD v4.1: 1 of 1,614,102 alleles (0.000062%); highest among the groups gnomAD compares: Non-Finnish European, 0.000085%; no homozygotes.

Submission:

CeGaT Center for Human Genetics Tuebingen
Classification: Uncertain significance. Last evaluated: 2026-09-01. Review status: criteria provided, single submitter. Criteria: CeGaT Center For Human Genetics Tuebingen Variant Classification Criteria Version 2. Collection method: clinical testing. Allele origin: germline. Affected: yes. Observed: 1 variant allele.
Comment: MED13L: PM2, BP2

NM_015335.5(MED13L):c.1787A>G (p.Asp596Gly)

Gene: MED13L (mediator complex subunit 13L; minus strand). Cytogenetic location: 12q24.21.
Variant type: single nucleotide variant.
Coding change: c.1787A>G on transcript NM_015335.5 (MANE Select); coding-DNA position 1787, A replaced by G.
Protein change: p.Asp596Gly; replaces aspartic acid 596 with glycine.
Molecular consequence: missense variant.
Genome position (GRCh38, 1-based): chr12:116,008,626, T>C on the plus strand (A>G on the coding strand, the complement: MED13L is on the minus strand). VCF-style: chr12-116008626-T-C. GRCh37 (hg19) VCF-style: chr12-116446431-T-C.
Other names: short protein forms D596G.
Identifiers: ClinVar variation 5041288 (VCV005041288.1).